The following is an entry in ClinVar:

ClinVar aggregate classification (germline): Uncertain significance (1 of 4 stars; one submission).

gnomAD v4.1: 5 of 1,614,162 alleles (0.00031%); highest among the groups gnomAD compares: Non-Finnish European, 0.00042%; no homozygotes.

Submission:

Labcorp Genetics (formerly Invitae), Labcorp
Classification: Uncertain significance. Last evaluated: 2022-02-25. Review status: criteria provided, single submitter. Criteria: Invitae Variant Classification Sherloc (09022015). Collection method: clinical testing. Allele origin: germline.
Comment: In summary, the available evidence is currently insufficient to determine the role of this variant in disease. Therefore, it has been classified as a Variant of Uncertain Significance. This sequence change replaces isoleucine, which is neutral and non-polar, with valine, which is neutral and non-polar, at codon 437 of the DHCR24 protein (p.Ile437Val). This variant is not present in population databases (gnomAD no frequency). This variant has not been reported in the literature in individuals affected with DHCR24-related conditions. Algorithms developed to predict the effect of missense changes on protein structure and function (SIFT, PolyPhen-2, Align-GVGD) all suggest that this variant is likely to be tolerated.

NM_014762.4(DHCR24):c.1309A>G (p.Ile437Val)

Gene: DHCR24 (24-dehydrocholesterol reductase; minus strand). Cytogenetic location: 1p32.3.
Variant type: single nucleotide variant.
Coding change: c.1309A>G on transcript NM_014762.4 (MANE Select); coding-DNA position 1309, A replaced by G.
Protein change: p.Ile437Val; replaces isoleucine 437 with valine.
Molecular consequence: missense variant.
Genome position (GRCh38, 1-based): chr1:54,853,522, T>C on the plus strand (A>G on the coding strand, the complement: DHCR24 is on the minus strand). VCF-style: chr1-54853522-T-C. GRCh37 (hg19) VCF-style: chr1-55319195-T-C.
Other names: short protein forms I437V.
Identifiers: ClinVar variation 2046014 (VCV002046014.4), dbSNP rs865957743, ClinGen allele CA22781876.